The following is an entry in ClinVar:

ClinVar aggregate classification (germline): Likely pathogenic (1 of 4 stars; one submission).

Conditions:
X-linked lymphoproliferative disease due to SH2D1A deficiency (XLP1). Also called: DUNCAN DISEASE; IMMUNODEFICIENCY 5; IMMUNODEFICIENCY, X-LINKED PROGRESSIVE COMBINED VARIABLE; INFECTIOUS MONONUCLEOSIS, SEVERE, SUSCEPTIBILITY TO; Epstein Barr virus infection familial fatal; Duncan's syndrome. Identifiers: Orphanet 2442, Orphanet 538931, MedGen C5399825, MONDO:0024551, OMIM 308240.

Submission:

Labcorp Genetics (formerly Invitae), Labcorp
Classification: Likely pathogenic for X-linked lymphoproliferative disease due to SH2D1A deficiency. Last evaluated: 2020-01-31. Review status: criteria provided, single submitter. Criteria: Invitae Variant Classification Sherloc (09022015). Collection method: clinical testing. Allele origin: germline.
Comment: This variant has not been reported in the literature in individuals with SH2D1A-related conditions. This variant results in the deletion of part of exon 2 (c.197_201+9del) of the SH2D1A gene. It is expected to disrupt RNA splicing and likely results in an absent or disrupted protein product. Loss-of-function variants in SH2D1A are known to be pathogenic (PMID: 9771704, 11049992, 15711562). In summary, the currently available evidence indicates that the variant is pathogenic, but additional data are needed to prove that conclusively. Therefore, this variant has been classified as Likely Pathogenic.

Literature cited by the submitters: PubMed 9771704; PubMed 11049992; PubMed 15711562.

NM_002351.5(SH2D1A):c.197_201+9del

Gene: SH2D1A (SH2 domain containing 1A; plus strand). Cytogenetic location: Xq25.
Variant type: Deletion.
Coding change: c.197_201+9del on transcript NM_002351.5 (MANE Select); coding-DNA position 197 through 9 bases into the intron after coding-DNA position 201, 14 bases deleted (CTGAGGTATAGTTG).
Molecular consequence: splice donor variant.
Genome position (GRCh38, 1-based): chrX:124,365,820-124,365,833, CTGAGGTATAGTTG deleted; deleting any 14 consecutive bases within chrX:124,365,818-124,365,833 gives the same sequence; the c. name uses the placement nearest the transcript's 3' end. VCF-style (leftmost placement, unchanged base first): chrX-124365817-GTGCTGAGGTATAGT-G. GRCh37 (hg19) VCF-style: chrX-123499667-GTGCTGAGGTATAGT-G.
Other names: c.197_201+9del (NM_001114937.3).
Identifiers: ClinVar variation 970680 (VCV000970680.7), dbSNP rs2060052777, ClinGen allele CA1139667787.
Genomic context (GRCh38, chrX:124,365,817, plus strand): 5'-ACAGGTATCACGGTTACATTTATACATACCGAGTGTCCCAGACAGAAACAGGTTCTTGGA[GTGCTGAGGTATAGT>G]TGTATTTATTTTTGCTTCTGGGGGTGTCAAGGAGGTATTTGAAATTTAGGCTGGTTTTAT-3'